The following is an entry in ClinVar:

NM_001999.4(FBN2):c.-625G>C

Gene: FBN2 (fibrillin 2; minus strand). Cytogenetic location: 5q23.3.
Variant type: single nucleotide variant.
Coding change: c.-625G>C on transcript NM_001999.4 (MANE Select); 625 bases upstream of the start codon, G replaced by C.
Molecular consequence: 5 prime UTR variant.
Genome position (GRCh38, 1-based): chr5:128,538,228, C>G on the plus strand (G>C on the coding strand, the complement: FBN2 is on the minus strand). VCF-style: chr5-128538228-C-G. GRCh37 (hg19) VCF-style: chr5-127873921-C-G.
Identifiers: ClinVar variation 683525 (VCV000683525.1), dbSNP rs147684576, ClinGen allele CA127060115.

ClinVar aggregate classification (germline): Benign (1 of 4 stars; one submission).

Allele frequency attached by ClinVar (database versions not stated): gnomAD exomes 0.05795; 1000 Genomes Project 30x 0.05934; 1000 Genomes Project 0.06310; TOPMed 0.07536; gnomAD 0.07968 and 0.08009.
gnomAD v4.1: 12,278 of 153,932 alleles (8%); highest among the groups gnomAD compares: Non-Finnish European, 11%; 615 homozygotes.

Submission:

GeneDx
Classification: Benign. Last evaluated: 2018-06-18. Review status: criteria provided, single submitter. Criteria: GeneDx Variant Classification (06012015). Collection method: clinical testing. Allele origin: germline. Affected: yes.
Comment: This variant is considered likely benign or benign based on one or more of the following criteria: it is a conservative change, it occurs at a poorly conserved position in the protein, it is predicted to be benign by multiple in silico algorithms, and/or has population frequency not consistent with disease.